The following is an entry in ClinVar:

ClinVar aggregate classification (germline): Pathogenic (1 of 4 stars; one submission).

Submission:

Labcorp Genetics (formerly Invitae), Labcorp
Classification: Pathogenic. Last evaluated: 2025-06-14. Review status: criteria provided, single submitter. Criteria: Invitae Variant Classification Sherloc (09022015). Collection method: clinical testing. Allele origin: germline.
Comment: This sequence change creates a premature translational stop signal (p.Ser357Glnfs*10) in the DNAJC21 gene. It is expected to result in an absent or disrupted protein product. Loss-of-function variants in DNAJC21 are known to be pathogenic (PMID: 27346687, 28062395). This variant is not present in population databases (gnomAD no frequency). This variant has not been reported in the literature in individuals affected with DNAJC21-related conditions. ClinVar contains an entry for this variant (Variation ID: 2039339). For these reasons, this variant has been classified as Pathogenic.

Literature cited by the submitters: PubMed 27346687; PubMed 28062395.

NM_001012339.3(DNAJC21):c.1069del (p.Ser357fs)

Gene: DNAJC21 (DnaJ heat shock protein family (Hsp40) member C21; plus strand). Cytogenetic location: 5p13.2.
Variant type: Deletion.
Coding change: c.1069del on transcript NM_001012339.3 (MANE Select); coding-DNA position 1069, one base deleted (T; older notation c.1069delT).
Protein change: p.Ser357fs; shifts the reading frame from serine 357.
Molecular consequence: frameshift variant.
Genome position (GRCh38, 1-based): chr5:34,944,952, T deleted; the last of 5 consecutive T bases (chr5:34,944,948-34,944,952); deleting any one gives the same sequence. VCF-style (leftmost placement, unchanged base first): chr5-34944947-AT-A. GRCh37 (hg19) VCF-style: chr5-34945052-AT-A.
Other names: c.1069del, p.Ser357fs (NM_001348420.2, NM_194283.4); short protein forms S357fs.
Identifiers: ClinVar variation 2039339 (VCV002039339.4), dbSNP rs1765124377, ClinGen allele CA1074978256.
Genomic context (GRCh38, chr5:34,944,947, plus strand): 5'-CAAAGAAGCATCGGGAAATGGTGGCCTTGCTAAAACAACAGCTGGAGGAGGAAGAAGAAA[AT>A]TTTTCAAGACCTCAAATTGATGAAAATCCATTAGATGACAATTCTGAGGAAGAAATGGAA-3'